The following is an entry in ClinVar:

ClinVar aggregate classification (germline): Benign/Likely benign. Review status: criteria provided, multiple submitters, no conflicts (2 of 4 stars). 7 submissions from 7 submitters: Benign (4); Likely benign (3). Last evaluated 2026-01-27.

Conditions:
Primary ciliary dyskinesia. Also called: Ciliary dyskinesia. Identifiers: Orphanet 244, MedGen C0008780, MONDO:0016575, HP:0012265.
Primary ciliary dyskinesia 10. Also called: CILIARY DYSKINESIA, PRIMARY, 10, WITH OR WITHOUT SITUS INVERSUS. Identifiers: Orphanet 244, MedGen C2675867, MONDO:0012918, OMIM 612518.

Allele frequency attached by ClinVar (database versions not stated): ESP Exome Variant Server 0.00857; 1000 Genomes Project 30x 0.01046; 1000 Genomes Project 0.01078; gnomAD 0.01255; TOPMed 0.01448.
gnomAD v4.1: 4,032 of 1,585,936 alleles (0.25%); highest among the groups gnomAD compares: African/African-American, 4.4%; 70 homozygotes.

Submissions (7):

Labcorp Genetics (formerly Invitae), Labcorp
Classification: Benign for Primary ciliary dyskinesia. Last evaluated: 2026-01-27. Review status: criteria provided, single submitter. Criteria: Invitae Variant Classification Sherloc (09022015). Collection method: clinical testing. Allele origin: germline.

Fulgent Genetics
Classification: Likely benign for Primary ciliary dyskinesia 10. Last evaluated: 2022-01-06. Review status: criteria provided, single submitter. Criteria: ACMG Guidelines, 2015. Collection method: clinical testing. Allele origin: unknown.

GeneDx
Classification: Likely benign. Last evaluated: 2021-02-19. Review status: criteria provided, single submitter. Criteria: GeneDx Variant Classification Process June 2021. Collection method: clinical testing. Allele origin: germline. Affected: yes.

Illumina Laboratory Services, Illumina
Classification: Benign for Primary ciliary dyskinesia 10. Last evaluated: 2018-01-12. Review status: criteria provided, single submitter. Criteria: ICSL Variant Classification Criteria 13 December 2019. Collection method: clinical testing. Allele origin: germline.
Comment: This variant was observed in the ICSL laboratory as part of a predisposition screen in an ostensibly healthy population. It had not been previously curated by ICSL or reported in the Human Gene Mutation Database (HGMD: prior to June 1st, 2018), and was therefore a candidate for classification through an automated scoring system. Utilizing variant allele frequency, disease prevalence and penetrance estimates, and inheritance mode, an automated score was calculated to assess if this variant is too frequent to cause the disease. Based on the score and internal cut-off values, a variant classified as benign is not then subjected to further curation. The score for this variant resulted in a classification of benign for this disease.

Ambry Genetics
Classification: Benign for Primary ciliary dyskinesia. Last evaluated: 2014-12-15. Review status: criteria provided, single submitter. Criteria: Ambry Variant Classification Scheme 2023. Collection method: clinical testing. Allele origin: germline.

Breakthrough Genomics
Classification: Likely benign. Review status: criteria provided, single submitter. Criteria: ACMG Guidelines, 2015. Collection method: not provided. Allele origin: germline. Inheritance: Autosomal recessive inheritance. Affected: yes.

PreventionGenetics, part of Exact Sciences
Classification: Benign. Review status: criteria provided, single submitter. Criteria: ACMG Guidelines, 2015. Collection method: clinical testing. Allele origin: germline.

NM_018139.3(DNAAF2):c.78C>T (p.Ala26=)

Gene: DNAAF2 (dynein axonemal assembly factor 2; minus strand). Cytogenetic location: 14q21.3.
Variant type: single nucleotide variant.
Coding change: c.78C>T on transcript NM_018139.3 (MANE Select); coding-DNA position 78, C replaced by T.
Protein change: p.Ala26=; no amino-acid change (alanine 26 retained).
Molecular consequence: synonymous variant.
Genome position (GRCh38, 1-based): chr14:49,635,072, G>A on the plus strand (C>T on the coding strand, the complement: DNAAF2 is on the minus strand). VCF-style: chr14-49635072-G-A. GRCh37 (hg19) VCF-style: chr14-50101790-G-A.
Other names: c.78C>T, p.Ala26= (NM_001083908.2).
Identifiers: ClinVar variation 221190 (VCV000221190.31), dbSNP rs7156297, ClinGen allele CA350405.